The following is an entry in ClinVar:

NM_001927.4(DES):c.639G>A (p.Ala213=)

Gene: DES (desmin; plus strand). Cytogenetic location: 2q35.
Variant type: single nucleotide variant.
Coding change: c.639G>A on transcript NM_001927.4 (MANE Select); coding-DNA position 639, G replaced by A.
Protein change: p.Ala213=; no amino-acid change (alanine 213 retained).
Molecular consequence: synonymous variant.
Genome position (GRCh38, 1-based): chr2:219,420,155, G>A. VCF-style: chr2-219420155-G-A. GRCh37 (hg19) VCF-style: chr2-220284877-G-A.
Other names: c.639G>A (LRG_380t1).
Identifiers: ClinVar variation 474290 (VCV000474290.11), dbSNP rs377337947, ClinGen allele CA2125095.
Genomic context (GRCh38, chr2:219,420,155, plus strand): 5'-GCTGCAGGAGGAGATTCAGTTGAAGGAAGAAGCAGAGAACAATTTGGCTGCCTTCCGAGC[G>A]GTGAGTGCCCTTCTTTTCCCCTTGCATGGCCTCTGGCCTTGCTCTGCCCCACCTGGGTGG-3'
Protein context (NP_001918.3, residues 203-223): EAENNLAAFR[Ala213=]DVDAATLARI

ClinVar aggregate classification (germline): Uncertain significance. Review status: criteria provided, multiple submitters, no conflicts (2 of 4 stars). 5 submissions from 5 submitters: Uncertain significance (5). Last evaluated 2025-12-11.

Conditions:
Cardiovascular phenotype. Identifiers: MedGen CN230736.
Desmin-related myofibrillar myopathy (MFM1). Also called: Desminopathy; Desmin related myopathy (former name); Desmin storage myopathy (former name); Myofibrillar myopathy 1; MYOFIBRILLAR MYOPATHY WITH ARRHYTHMOGENIC RIGHT VENTRICULAR CARDIOMYOPATHY; DESMIN-RELATED MYOPATHY WITH ARRHYTHMOGENIC RIGHT VENTRICULAR CARDIOMYOPATHY. Identifiers: Orphanet 363543, Orphanet 98909, MedGen C1832370, MONDO:0011076, OMIM 601419.

Allele frequency attached by ClinVar (database versions not stated): gnomAD 0.00002 and 0.00005; TOPMed 0.00003; gnomAD exomes 0.00005 and 0.00006; ExAC 0.00006; ESP Exome Variant Server 0.00015.
gnomAD v4.1: 80 of 1,614,104 alleles (0.005%); highest among the groups gnomAD compares: South Asian, 0.059%; 1 homozygote.

Submissions (5):

Women's Health and Genetics/Laboratory Corporation of America, LabCorp
Classification: Uncertain significance. Last evaluated: 2025-12-11. Review status: criteria provided, single submitter. Criteria: LabCorp Variant Classification Summary - May 2015. Collection method: clinical testing. Allele origin: germline.
Comment: Variant summary: DES c.639G>A (p.Ala213Ala) alters a conserved nucleotide located close to a canonical splice site and therefore could affect mRNA splicing, leading to a significantly altered protein sequence. Several computational tools predict a significant impact on normal splicing: Three predict the variant weakens a canonical 5' donor site. One predict the variant no significant impact on splicing. However, these predictions have yet to be confirmed by functional studies. The variant allele was found at a frequency of 5.6e-05 in 251480 control chromosomes (gnomAD). This frequency is not significantly higher than estimated for disease-causing variants in DES, allowing no conclusion about variant significance. To our knowledge, no occurrence of c.639G>A in individuals affected with DES-related conditions and no experimental evidence demonstrating its impact on protein function have been reported. ClinVar contains an entry for this variant (Variation ID: 474290). Based on the evidence outlined above, the variant was classified as uncertain significance.

Molecular Diagnostic Laboratory for Inherited Cardiovascular Disease, Montreal Heart Institute
Classification: Uncertain significance for Cardiovascular phenotype. Last evaluated: 2025-04-09. Review status: criteria provided, single submitter. Criteria: ACMG Guidelines, 2015. Collection method: clinical testing. Allele origin: germline. Affected: yes.

Labcorp Genetics (formerly Invitae), Labcorp
Classification: Uncertain significance for Desmin-related myofibrillar myopathy. Last evaluated: 2025-01-26. Review status: criteria provided, single submitter. Criteria: Invitae Variant Classification Sherloc (09022015). Collection method: clinical testing. Allele origin: germline.
Comment: This sequence change affects codon 213 of the DES mRNA. It is a 'silent' change, meaning that it does not change the encoded amino acid sequence of the DES protein. This variant also falls at the last nucleotide of exon 2, which is part of the consensus splice site for this exon. This variant is present in population databases (rs377337947, gnomAD 0.03%). This variant has not been reported in the literature in individuals affected with DES-related conditions. ClinVar contains an entry for this variant (Variation ID: 474290). Variants that disrupt the consensus splice site are a relatively common cause of aberrant splicing (PMID: 17576681, 9536098). Algorithms developed to predict the effect of sequence changes on RNA splicing suggest that this variant is not likely to affect RNA splicing. In summary, the available evidence is currently insufficient to determine the role of this variant in disease. Therefore, it has been classified as a Variant of Uncertain Significance.

Ambry Genetics
Classification: Uncertain significance for Cardiovascular phenotype. Last evaluated: 2020-02-11. Review status: criteria provided, single submitter. Criteria: Ambry Variant Classification Scheme 2023. Collection method: clinical testing. Allele origin: germline.
Comment: The c.639G>A (p.A213A) alteration is located in exon 2 (coding exon 2) of the DES gene. This alteration consists of a G to A substitution at nucleotide position 639. This nucleotide substitution does not change the amino acid at codon 213. However, this change occurs in the last nucleotide of Exon 2 (c.579_639) which makes it likely to have some effect on normal mRNA splicing. Based on insufficient or conflicting evidence, the clinical significance of this alteration remains unclear.

Neuberg Centre For Genomic Medicine, NCGM
Classification: Uncertain significance for Desmin-related myofibrillar myopathy. Review status: criteria provided, single submitter. Criteria: ACMG Guidelines, 2015. Collection method: clinical testing. Allele origin: germline. Inheritance: Autosomal dominant inheritance. Affected: yes.
Comment: The variant c.639G>A (p.Ala213Ala) in DES gene has not been reported previously as a pathogenic variant nor as a benign variant, to our knowledge. The variant has allele frequency 0.005% in gnomAD exomes and novel (not in any individuals) in 1000 Genomes. This variant has been reported to the ClinVar database as Uncertain_significance (VUS). This p.Ala213Ala type of mutation causes no change in the protein that is produced, which is why it's considered as synonymous mutation. This variant also falls at the last nucleotide of exon 2 of the DES coding sequence, which is part of the consensus splice site for this exon. Nucleotide substitutions within the consensus splice site are a relatively common cause of aberrant splicing (Buratti E et al., 2007). For these reasons, this variant has been classified as Uncertain Significance (VUS).

Literature cited by the submitters: PubMed 17576681 (cited by Labcorp Genetics (formerly Invitae), Labcorp); PubMed 9536098 (cited by Labcorp Genetics (formerly Invitae), Labcorp).